The following is an entry in ClinVar:

ClinVar aggregate classification (germline): Uncertain significance (1 of 4 stars; one submission).

Allele frequency attached by ClinVar (database versions not stated): gnomAD 0.00001; gnomAD exomes 0.00001; TOPMed 0.00001.
gnomAD v4.1: 11 of 1,602,008 alleles (0.00069%); highest among the groups gnomAD compares: African/African-American, 0.0013%; no homozygotes.

Submission:

Labcorp Genetics (formerly Invitae), Labcorp
Classification: Uncertain significance. Last evaluated: 2024-10-14. Review status: criteria provided, single submitter. Criteria: Invitae Variant Classification Sherloc (09022015). Collection method: clinical testing. Allele origin: germline.
Comment: This sequence change replaces methionine, which is neutral and non-polar, with isoleucine, which is neutral and non-polar, at codon 644 of the MYO5B protein (p.Met644Ile). This variant is not present in population databases (gnomAD no frequency). This variant has not been reported in the literature in individuals affected with MYO5B-related conditions. ClinVar contains an entry for this variant (Variation ID: 1930963). Invitae Evidence Modeling of protein sequence and biophysical properties (such as structural, functional, and spatial information, amino acid conservation, physicochemical variation, residue mobility, and thermodynamic stability) has been performed for this missense variant. However, the output from this modeling did not meet the statistical confidence thresholds required to predict the impact of this variant on MYO5B protein function. In summary, the available evidence is currently insufficient to determine the role of this variant in disease. Therefore, it has been classified as a Variant of Uncertain Significance.

NM_001080467.3(MYO5B):c.1932G>A (p.Met644Ile)

Gene: MYO5B (myosin VB; minus strand). Cytogenetic location: 18q21.1.
Variant type: single nucleotide variant.
Coding change: c.1932G>A on transcript NM_001080467.3 (MANE Select); coding-DNA position 1932, G replaced by A.
Protein change: p.Met644Ile; replaces methionine 644 with isoleucine.
Molecular consequence: missense variant.
Genome position (GRCh38, 1-based): chr18:49,936,323, C>T on the plus strand (G>A on the coding strand, the complement: MYO5B is on the minus strand). VCF-style: chr18-49936323-C-T. GRCh37 (hg19) VCF-style: chr18-47462693-C-T.
Other names: short protein forms M644I.
Identifiers: ClinVar variation 1930963 (VCV001930963.3), dbSNP rs1193958674, ClinGen allele CA402444750.